The following is an entry in ClinVar:

ClinVar aggregate classification (germline): Uncertain significance. Review status: criteria provided, multiple submitters, no conflicts (2 of 4 stars). 2 submissions from 2 submitters: Uncertain significance (2). Last evaluated 2024-05-15.

Conditions:
Cranioectodermal dysplasia 2 (CED2). Identifiers: Orphanet 1515, MedGen C3150874, MONDO:0013323, OMIM 613610.
Short-rib thoracic dysplasia 7 with or without polydactyly (SRTD7). Also called: SHORT-RIB THORACIC DYSPLASIA 7 WITH POLYDACTYLY; Short rib polydactyly syndrome 5. Identifiers: Orphanet 498497, Orphanet 93271, MedGen C3279792, MONDO:0013569, OMIM 614091.

Submissions (2):

Fulgent Genetics
Classification: Uncertain significance for Cranioectodermal dysplasia 2; Short-rib thoracic dysplasia 7 with or without polydactyly. Last evaluated: 2024-05-15. Review status: criteria provided, single submitter. Criteria: ACMG Guidelines, 2015. Collection method: clinical testing. Allele origin: germline.

Labcorp Genetics (formerly Invitae), Labcorp
Classification: Uncertain significance for Cranioectodermal dysplasia 2; Short-rib thoracic dysplasia 7 with or without polydactyly. Last evaluated: 2021-12-16. Review status: criteria provided, single submitter. Criteria: Invitae Variant Classification Sherloc (09022015). Collection method: clinical testing. Allele origin: germline.
Comment: In summary, the available evidence is currently insufficient to determine the role of this variant in disease. Therefore, it has been classified as a Variant of Uncertain Significance. Algorithms developed to predict the effect of sequence changes on RNA splicing suggest that this variant may create or strengthen a splice site. This variant has not been reported in the literature in individuals affected with WDR35-related conditions. Information on the frequency of this variant in the gnomAD database is not available, as this variant may be reported differently in the database. This sequence change falls in intron 25 of the WDR35 gene. It does not directly change the encoded amino acid sequence of the WDR35 protein.

NM_020779.4(WDR35):c.2964+17_2964+18delinsGG

Gene: WDR35 (WD repeat domain 35; minus strand). Cytogenetic location: 2p24.1.
Variant type: Indel.
Coding change: c.2964+17_2964+18delinsGG on transcript NM_020779.4 (MANE Select); bases 17 to 18 of the intron after coding-DNA position 2964, AA replaced by GG.
Molecular consequence: intron variant.
Genome position (GRCh38, 1-based): chr2:19,931,251-19,931,252, TT replaced by CC on the plus strand (AA replaced by GG on the coding strand, the reverse complement: WDR35 is on the minus strand). VCF-style: chr2-19931251-TT-CC. GRCh37 (hg19) VCF-style: chr2-20131012-TT-CC.
Other names: c.2997+17_2997+18delinsGG (NM_001006657.2).
Identifiers: ClinVar variation 2051602 (VCV002051602.3), dbSNP rs2527838241, ClinGen allele CA2580064960.